The following is an entry in ClinVar:

ClinVar aggregate classification (germline): Likely benign (0 of 4 stars; one submission).

Conditions:
CFAP43-related disorder. Also called: CFAP43-related condition.

Allele frequency attached by ClinVar (database versions not stated): 1000 Genomes Project 30x 0.00016; 1000 Genomes Project 0.00020; gnomAD 0.00022; ExAC 0.00027; ESP Exome Variant Server 0.00038; TOPMed 0.00044; gnomAD exomes 0.00055.
gnomAD v4.1: 830 of 1,609,960 alleles (0.052%); highest among the groups gnomAD compares: Non-Finnish European, 0.061%; 2 homozygotes.

Submission:

PreventionGenetics, part of Exact Sciences
Classification: Likely benign for CFAP43-related condition. Last evaluated: 2019-08-07. Review status: no assertion criteria provided. Collection method: clinical testing. Allele origin: germline.
Comment: This variant is classified as likely benign based on ACMG/AMP sequence variant interpretation guidelines (Richards et al. 2015 PMID: 25741868, with internal and published modifications).

NM_025145.7(CFAP43):c.2547A>G (p.Leu849=)

Gene: CFAP43 (cilia and flagella associated protein 43; minus strand). Cytogenetic location: 10q25.1.
Variant type: single nucleotide variant.
Coding change: c.2547A>G on transcript NM_025145.7 (MANE Select); coding-DNA position 2547, A replaced by G.
Protein change: p.Leu849=; no amino-acid change (leucine 849 retained).
Molecular consequence: synonymous variant.
Genome position (GRCh38, 1-based): chr10:104,172,449, T>C on the plus strand (A>G on the coding strand, the complement: CFAP43 is on the minus strand). VCF-style: chr10-104172449-T-C. GRCh37 (hg19) VCF-style: chr10-105932207-T-C.
Identifiers: ClinVar variation 3035568 (VCV003035568.2), dbSNP rs144900793, ClinGen allele CA5680582.
Genomic context (GRCh38, chr10:104,172,449, plus strand): 5'-TTAAATTATACTTTTTCATACCTTTGCCACTTCTTCCTGACTTTCATCATGAAGCCTTTC[T>C]AGTTCCTCAAGATCCAGACCAAATTCCTGTTGGTCTAATTTTGCAATATTTTCTAGTTTG-3'
Protein context (NP_079421.5, residues 839-859): QQEFGLDLEE[Leu849=]ERLHDESQEE